The following is an entry in ClinVar:

ClinVar aggregate classification (germline): Uncertain significance. Review status: criteria provided, multiple submitters, no conflicts (2 of 4 stars). 2 submissions from 2 submitters: Uncertain significance (2). Last evaluated 2025-10-29.

Conditions:
Cardiovascular phenotype. Identifiers: MedGen CN230736.

Allele frequency attached by ClinVar (database versions not stated): gnomAD exomes below 0.00001 and 0.00001.

Submissions (2):

Ambry Genetics
Classification: Uncertain significance for Cardiovascular phenotype. Last evaluated: 2025-10-29. Review status: criteria provided, single submitter. Criteria: Ambry Variant Classification Scheme 2023. Collection method: clinical testing. Allele origin: germline.

Labcorp Genetics (formerly Invitae), Labcorp
Classification: Uncertain significance. Last evaluated: 2021-09-10. Review status: criteria provided, single submitter. Criteria: Invitae Variant Classification Sherloc (09022015). Collection method: clinical testing. Allele origin: germline.
Comment: In summary, the available evidence is currently insufficient to determine the role of this variant in disease. Therefore, it has been classified as a Variant of Uncertain Significance. This variant is not present in population databases (ExAC no frequency). This variant has not been reported in the literature in individuals affected with LMF1-related conditions. Algorithms developed to predict the effect of missense changes on protein structure and function are either unavailable or do not agree on the potential impact of this missense change (SIFT: "Deleterious"; PolyPhen-2: "Benign"; Align-GVGD: "Class C0"). This sequence change replaces leucine with phenylalanine at codon 114 of the LMF1 protein (p.Leu114Phe). The leucine residue is moderately conserved and there is a small physicochemical difference between leucine and phenylalanine.

NM_022773.4(LMF1):c.340C>T (p.Leu114Phe)

Gene: LMF1 (lipase maturation factor 1; minus strand). Cytogenetic location: 16p13.3.
Variant type: single nucleotide variant.
Coding change: c.340C>T on transcript NM_022773.4 (MANE Select); coding-DNA position 340, C replaced by T.
Protein change: p.Leu114Phe; replaces leucine 114 with phenylalanine.
Molecular consequence: missense variant. On other transcripts: 5 prime UTR variant (3), non-coding transcript variant (1).
Genome position (GRCh38, 1-based): chr16:954,520, G>A on the plus strand (C>T on the coding strand, the complement: LMF1 is on the minus strand). VCF-style: chr16-954520-G-A. GRCh37 (hg19) VCF-style: chr16-1004520-G-A.
Other names: c.-464C>T (NM_001352017.2); c.-215C>T (NM_001352018.2); c.13C>T, p.Leu5Phe (NM_001352019.2); c.340C>T, p.Leu114Phe (NM_001352020.1); c.-366C>T (NM_001352021.2); c.340C>T (NM_022773.2); short protein forms L114F, L5F.
Identifiers: ClinVar variation 1367103 (VCV001367103.8), dbSNP rs964081489, ClinGen allele CA276539403.